The following is an entry in ClinVar:

ClinVar aggregate classification (germline): Uncertain significance (1 of 4 stars; one submission).

Submission:

Women's Health and Genetics/Laboratory Corporation of America, LabCorp
Classification: Uncertain significance. Last evaluated: 2025-11-28. Review status: criteria provided, single submitter. Criteria: LabCorp Variant Classification Summary - May 2015. Collection method: clinical testing. Allele origin: germline.
Comment: Variant summary: ZNF469 c.3395A>G (p.Glu1132Gly) results in a non-conservative amino acid change in the encoded protein sequence. Algorithms developed to predict the effect of missense changes on protein structure and function are either unavailable or do not agree on the potential impact of this missense change. The variant was absent in 134978 control chromosomes. The available data on variant occurrences in the general population are insufficient to allow any conclusion about variant significance. To our knowledge, no occurrence of c.3395A>G in individuals affected with ZNF469-related conditions and no experimental evidence demonstrating its impact on protein function have been reported. No submitters have cited clinical-significance assessments for this variant to ClinVar. Based on the evidence outlined above, the variant was classified as uncertain significance.

NM_001367624.2(ZNF469):c.3395A>G (p.Glu1132Gly)

Gene: ZNF469 (zinc finger protein 469; plus strand). Cytogenetic location: 16q24.2.
Variant type: single nucleotide variant.
Coding change: c.3395A>G on transcript NM_001367624.2 (MANE Select); coding-DNA position 3395, A replaced by G.
Protein change: p.Glu1132Gly; replaces glutamic acid 1132 with glycine.
Molecular consequence: missense variant.
Genome position (GRCh38, 1-based): chr16:88,430,865, A>G. VCF-style: chr16-88430865-A-G. GRCh37 (hg19) VCF-style: chr16-88497273-A-G.
Other names: short protein forms E1132G.
Identifiers: ClinVar variation 4537233 (VCV004537233.1).